The following is an entry in ClinVar:

NM_000152.5(GAA):c.1463C>T (p.Pro488Leu)

Gene: GAA (alpha glucosidase; plus strand). Cytogenetic location: 17q25.3.
Variant type: single nucleotide variant.
Coding change: c.1463C>T on transcript NM_000152.5 (MANE Select); coding-DNA position 1463, C replaced by T.
Protein change: p.Pro488Leu; replaces proline 488 with leucine.
Molecular consequence: missense variant.
Genome position (GRCh38, 1-based): chr17:80,110,752, C>T. VCF-style: chr17-80110752-C-T. GRCh37 (hg19) VCF-style: chr17-78084551-C-T.
Other names: c.1463C>T, p.Pro488Leu (NM_001079803.3, NM_001079804.3); short protein forms P488L.
Identifiers: ClinVar variation 1482744 (VCV001482744.8), dbSNP rs2143872219, ClinGen allele CA401366865.

ClinVar aggregate classification (germline): Conflicting classifications of pathogenicity. Review status: criteria provided, conflicting classifications (1 of 4 stars). 2 submissions from 2 submitters: Likely pathogenic (1); Uncertain significance (1). Last evaluated 2021-09-25.

Conditions:
Glycogen storage disease, type II (IOPD). Also called: Glucosidase acid-1,4-alpha deficiency; Pompe Disease; POMPE DISEASE, INFANTILE-ONSET; GLYCOGEN STORAGE DISEASE II, INFANTILE-ONSET; ACID ALPHA-GLUCOSIDASE DEFICIENCY, INFANTILE-ONSET; GAA DEFICIENCY, INFANTILE-ONSET. Identifiers: Orphanet 365, MedGen C0017921, MONDO:0009290, OMIM 232300.

Allele frequency attached by ClinVar (database versions not stated): gnomAD exomes below 0.00001.

Submissions (2):

Labcorp Genetics (formerly Invitae), Labcorp
Classification: Likely pathogenic for Glycogen storage disease, type II. Last evaluated: 2021-09-25. Review status: criteria provided, single submitter. Criteria: Invitae Variant Classification Sherloc (09022015). Collection method: clinical testing. Allele origin: germline.
Comment: In summary, the currently available evidence indicates that the variant is pathogenic, but additional data are needed to prove that conclusively. Therefore, this variant has been classified as Likely Pathogenic. Advanced modeling of protein sequence and biophysical properties (such as structural, functional, and spatial information, amino acid conservation, physicochemical variation, residue mobility, and thermodynamic stability) performed at Invitae indicates that this missense variant is expected to disrupt GAA protein function. This missense change has been observed in individual(s) with Pompe disease (Invitae). This variant is not present in population databases (ExAC no frequency). This sequence change replaces proline with leucine at codon 488 of the GAA protein (p.Pro488Leu). The proline residue is highly conserved and there is a moderate physicochemical difference between proline and leucine.

Revvity Omics, Revvity
Classification: Uncertain significance. Last evaluated: 2021-08-10. Review status: criteria provided, single submitter. Criteria: ACMG Guidelines, 2015. Collection method: clinical testing. Allele origin: germline.